The following is an entry in ClinVar:

NM_001367624.2(ZNF469):c.5305C>G (p.Pro1769Ala)

Gene: ZNF469 (zinc finger protein 469; plus strand). Cytogenetic location: 16q24.2.
Variant type: single nucleotide variant.
Coding change: c.5305C>G on transcript NM_001367624.2 (MANE Select); coding-DNA position 5305, C replaced by G.
Protein change: p.Pro1769Ala; replaces proline 1769 with alanine.
Molecular consequence: missense variant.
Genome position (GRCh38, 1-based): chr16:88,432,775, C>G. VCF-style: chr16-88432775-C-G. GRCh37 (hg19) VCF-style: chr16-88499183-C-G.
Other names: short protein forms P1769A.
Identifiers: ClinVar variation 3690806 (VCV003690806.1).

ClinVar aggregate classification (germline): Uncertain significance (1 of 4 stars; one submission).

Submission:

Labcorp Genetics (formerly Invitae), Labcorp
Classification: Uncertain significance. Last evaluated: 2024-12-02. Review status: criteria provided, single submitter. Criteria: Invitae Variant Classification Sherloc (09022015). Collection method: clinical testing. Allele origin: germline.
Comment: This sequence change replaces proline, which is neutral and non-polar, with alanine, which is neutral and non-polar, at codon 1741 of the ZNF469 protein (p.Pro1741Ala). This variant is not present in population databases (gnomAD no frequency). This variant has not been reported in the literature in individuals affected with ZNF469-related conditions. An algorithm developed to predict the effect of missense changes on protein structure and function outputs the following: PolyPhen-2: "Benign". The alanine amino acid residue is found in multiple mammalian species, which suggests that this missense change does not adversely affect protein function. In summary, the available evidence is currently insufficient to determine the role of this variant in disease. Therefore, it has been classified as a Variant of Uncertain Significance.